The following is an entry in ClinVar:

NM_021831.6(AGBL5):c.2441C>A (p.Thr814Asn)

Gene: AGBL5 (AGBL carboxypeptidase 5; plus strand). Cytogenetic location: 2p23.3.
Variant type: single nucleotide variant.
Coding change: c.2441C>A on transcript NM_021831.6 (MANE Select); coding-DNA position 2441, C replaced by A.
Protein change: p.Thr814Asn; replaces threonine 814 with asparagine.
Molecular consequence: missense variant. On other transcripts: non-coding transcript variant (2).
Genome position (GRCh38, 1-based): chr2:27,069,658, C>A. VCF-style: chr2-27069658-C-A. GRCh37 (hg19) VCF-style: chr2-27292526-C-A.
Other names: c.2441C>A (NM_021831.5); short protein forms T814N.
Identifiers: ClinVar variation 999432 (VCV000999432.9), dbSNP rs1289466536, ClinGen allele CA346142197.

ClinVar aggregate classification (germline): Uncertain significance. Review status: criteria provided, multiple submitters, no conflicts (2 of 4 stars). 3 submissions from 3 submitters: Uncertain significance (3). Last evaluated 2026-05-10.

Conditions:
Inborn genetic diseases. Identifiers: MedGen C0950123, MeSH D030342.

Allele frequency attached by ClinVar (database versions not stated): gnomAD 0.00001; gnomAD exomes 0.00001 and 0.00002; TOPMed 0.00001.
gnomAD v4.1: 7 of 1,614,008 alleles (0.00043%); highest among the groups gnomAD compares: Admixed American, 0.01%; no homozygotes.

Submissions (3):

Ambry Genetics
Classification: Uncertain significance for Inborn genetic diseases. Last evaluated: 2026-05-10. Review status: criteria provided, single submitter. Criteria: Ambry Variant Classification Scheme 2023. Collection method: clinical testing. Allele origin: germline.

Labcorp Genetics (formerly Invitae), Labcorp
Classification: Uncertain significance. Last evaluated: 2023-12-11. Review status: criteria provided, single submitter. Criteria: Invitae Variant Classification Sherloc (09022015). Collection method: clinical testing. Allele origin: germline.
Comment: This sequence change replaces threonine, which is neutral and polar, with asparagine, which is neutral and polar, at codon 814 of the AGBL5 protein (p.Thr814Asn). This variant is present in population databases (no rsID available, gnomAD 0.01%). This variant has not been reported in the literature in individuals affected with AGBL5-related conditions. ClinVar contains an entry for this variant (Variation ID: 999432). An algorithm developed to predict the effect of missense changes on protein structure and function (PolyPhen-2) suggests that this variant¬†is likely to be tolerated. In summary, the available evidence is currently insufficient to determine the role of this variant in disease. Therefore, it has been classified as a Variant of Uncertain Significance.

Blueprint Genetics
Classification: Uncertain significance. Last evaluated: 2019-07-10. Review status: criteria provided, single submitter. Criteria: ACMG Guidelines, 2015. Collection method: clinical testing. Allele origin: germline.